The following is an entry in ClinVar:

ClinVar aggregate classification (germline): Likely benign (1 of 4 stars; one submission).

Submission:

GeneDx
Classification: Likely benign. Last evaluated: 2017-12-13. Review status: criteria provided, single submitter. Criteria: GeneDx Variant Classification (06012015). Collection method: clinical testing. Allele origin: germline. Affected: yes.
Comment: This variant is considered likely benign or benign based on one or more of the following criteria: it is a conservative change, it occurs at a poorly conserved position in the protein, it is predicted to be benign by multiple in silico algorithms, and/or has population frequency not consistent with disease.

NM_020442.6(VARS2):c.730C>A (p.Arg244=)

Gene: VARS2 (valyl-tRNA synthetase 2, mitochondrial; plus strand). Cytogenetic location: 6p21.33.
Variant type: single nucleotide variant.
Coding change: c.730C>A on transcript NM_020442.6 (MANE Select); coding-DNA position 730, C replaced by A.
Protein change: p.Arg244=; no amino-acid change (arginine 244 retained).
Molecular consequence: synonymous variant.
Genome position (GRCh38, 1-based): chr6:30,916,936, C>A. VCF-style: chr6-30916936-C-A. GRCh37 (hg19) VCF-style: chr6-30884713-C-A.
Other names: c.310C>A, p.Arg104= (NM_001167733.3); c.820C>A, p.Arg274= (NM_001167734.2).
Identifiers: ClinVar variation 513588 (VCV000513588.1), dbSNP rs764048308, ClinGen allele CA449579908.
Genomic context (GRCh38, chr6:30,916,936, plus strand): 5'-AGGAAAGGTGGAGAGATCTGTGAGCAGCTGCGAGCTCTGGGTGCCTCCCTGGACTGGGAT[C>A]GAGAGTGTTTTACCATGGATGTTGTGAGTGTTCTGTGCCTTGGTCCCTGTGAGTGATGGG-3'
Protein context (NP_065175.4, residues 234-254): RALGASLDWD[Arg244=]ECFTMDVGSS